The following is an entry in ClinVar:

NM_014956.5(CEP164):c.154G>C (p.Glu52Gln)

Gene: CEP164 (centrosomal protein 164; plus strand). Cytogenetic location: 11q23.3.
Variant type: single nucleotide variant.
Coding change: c.154G>C on transcript NM_014956.5 (MANE Select); coding-DNA position 154, G replaced by C.
Protein change: p.Glu52Gln; replaces glutamic acid 52 with glutamine.
Molecular consequence: missense variant.
Genome position (GRCh38, 1-based): chr11:117,344,237, G>C. VCF-style: chr11-117344237-G-C. GRCh37 (hg19) VCF-style: chr11-117214953-G-C.
Other names: c.154G>C, p.Glu52Gln (NM_001271933.2); short protein forms E52Q.
Identifiers: ClinVar variation 2200818 (VCV002200818.4), dbSNP rs1227388521, ClinGen allele CA382722428.
Genomic context (GRCh38, chr11:117,344,237, plus strand): 5'-TTTGCCCGGGAGATTGGTATTGATCCCATCAAGGAACCAGAACTGATGTGGCTGGCGCGA[G>C]AGGGCATCGTGGCCCCACTGCCTGGAGAGTGGAAACCATGGTAAGTCAGCAGGGGGTGCG-3'
Protein context (NP_055771.4, residues 42-62): KEPELMWLAR[Glu52Gln]GIVAPLPGEW

ClinVar aggregate classification (germline): Uncertain significance (1 of 4 stars; one submission).

Conditions:
Nephronophthisis 15 (NPHP15). Identifiers: Orphanet 3156, MedGen C3541853, MONDO:0013917, OMIM 614845.

Allele frequency attached by ClinVar (database versions not stated): gnomAD exomes below 0.00001.
gnomAD v4.1: 1 of 1,613,470 alleles (0.000062%); highest among the groups gnomAD compares: African/African-American, 0.0013%; no homozygotes.

Submission:

Labcorp Genetics (formerly Invitae), Labcorp
Classification: Uncertain significance for Nephronophthisis 15. Last evaluated: 2025-01-06. Review status: criteria provided, single submitter. Criteria: Invitae Variant Classification Sherloc (09022015). Collection method: clinical testing. Allele origin: germline.
Comment: This sequence change replaces glutamic acid, which is acidic and polar, with glutamine, which is neutral and polar, at codon 52 of the CEP164 protein (p.Glu52Gln). This variant is not present in population databases (gnomAD no frequency). This variant has not been reported in the literature in individuals affected with CEP164-related conditions. ClinVar contains an entry for this variant (Variation ID: 2200818). An algorithm developed to predict the effect of missense changes on protein structure and function (PolyPhen-2) suggests that this variant is likely to be disruptive. In summary, the available evidence is currently insufficient to determine the role of this variant in disease. Therefore, it has been classified as a Variant of Uncertain Significance.